The following is an entry in ClinVar:

NM_016239.4(MYO15A):c.6957-1G>A

Gene: MYO15A (myosin XVA; plus strand). Cytogenetic location: 17p11.2.
Variant type: single nucleotide variant.
Coding change: c.6957-1G>A on transcript NM_016239.4 (MANE Select); the canonical splice acceptor site of the intron before coding-DNA position 6957, G replaced by A.
Molecular consequence: splice acceptor variant.
Genome position (GRCh38, 1-based): chr17:18,149,215, G>A. VCF-style: chr17-18149215-G-A. GRCh37 (hg19) VCF-style: chr17-18052529-G-A.
Identifiers: ClinVar variation 2756166 (VCV002756166.3), dbSNP rs2545280168, ClinGen allele CA398613654.

ClinVar aggregate classification (germline): Likely pathogenic (1 of 4 stars; one submission).

Submission:

Labcorp Genetics (formerly Invitae), Labcorp
Classification: Likely pathogenic. Last evaluated: 2023-08-29. Review status: criteria provided, single submitter. Criteria: Invitae Variant Classification Sherloc (09022015). Collection method: clinical testing. Allele origin: germline.
Comment: This variant is not present in population databases (gnomAD no frequency). This sequence change affects an acceptor splice site in intron 33 of the MYO15A gene. It is expected to disrupt RNA splicing. Variants that disrupt the donor or acceptor splice site typically lead to a loss of protein function (PMID: 16199547), and loss-of-function variants in MYO15A are known to be pathogenic (PMID: 17546645). This variant has not been reported in the literature in individuals affected with MYO15A-related conditions. In summary, the currently available evidence indicates that the variant is pathogenic, but additional data are needed to prove that conclusively. Therefore, this variant has been classified as Likely Pathogenic. Algorithms developed to predict the effect of sequence changes on RNA splicing suggest that this variant may disrupt the consensus splice site.

Literature cited by the submitters: PubMed 16199547; PubMed 17546645.